The following is an entry in ClinVar:

NM_000268.4(NF2):c.484T>C (p.Phe162Leu)

Gene: NF2 (NF2, moesin-ezrin-radixin like (MERLIN) tumor suppressor; plus strand). Cytogenetic location: 22q12.2.
Variant type: single nucleotide variant.
Coding change: c.484T>C on transcript NM_000268.4 (MANE Select); coding-DNA position 484, T replaced by C.
Protein change: p.Phe162Leu; replaces phenylalanine 162 with leucine.
Molecular consequence: missense variant. On other transcripts: non-coding transcript variant (1), intron variant (1).
Genome position (GRCh38, 1-based): chr22:29,654,693, T>C. VCF-style: chr22-29654693-T-C. GRCh37 (hg19) VCF-style: chr22-30050682-T-C.
Other names: c.484T>C, p.Phe162Leu (NM_016418.5, NM_181825.3, NM_181832.3); c.358T>C, p.Phe120Leu (NM_181828.3); c.361T>C, p.Phe121Leu (NM_181829.3); c.235T>C, p.Phe79Leu (NM_181830.3, NM_181831.3); c.447+12408T>C (NM_181833.3); short protein forms F162L, F121L, F120L, F79L.
Identifiers: ClinVar variation 426373 (VCV000426373.3), dbSNP rs1085307593, ClinGen allele CA411142186.

ClinVar aggregate classification (germline): Uncertain significance. Review status: criteria provided, multiple submitters, no conflicts (2 of 4 stars). 2 submissions from 2 submitters: Uncertain significance (2). Last evaluated 2025-12-14.

Conditions:
Neurofibromatosis, type 2 (SWNV). Also called: SCHWANNOMATOSIS, VESTIBULAR; NF2-Related Schwannomatosis; BILATERAL ACOUSTIC NEUROFIBROMATOSIS. Identifiers: Orphanet 637, MedGen C0027832, MONDO:0007039, OMIM 101000. Disease mechanism: loss of function.

Allele frequency attached by ClinVar (database versions not stated): gnomAD exomes below 0.00001.
gnomAD v4.1: 1 of 1,613,362 alleles (0.000062%); highest among the groups gnomAD compares: South Asian, 0.0011%; no homozygotes.

Submissions (2):

Labcorp Genetics (formerly Invitae), Labcorp
Classification: Uncertain significance for Neurofibromatosis, type 2. Last evaluated: 2025-12-14. Review status: criteria provided, single submitter. Criteria: Invitae Variant Classification Sherloc (09022015). Collection method: clinical testing. Allele origin: germline.
Comment: This sequence change replaces phenylalanine, which is neutral and non-polar, with leucine, which is neutral and non-polar, at codon 162 of the NF2 protein (p.Phe162Leu). This variant is present in population databases (no rsID available, gnomAD 0.003%). This variant has not been reported in the literature in individuals affected with NF2-related conditions. ClinVar contains an entry for this variant (Variation ID: 426373). Invitae Evidence Modeling of protein sequence and biophysical properties (such as structural, functional, and spatial information, amino acid conservation, physicochemical variation, residue mobility, and thermodynamic stability) indicates that this missense variant is not expected to disrupt NF2 protein function with a negative predictive value of 80%. In summary, the available evidence is currently insufficient to determine the role of this variant in disease. Therefore, it has been classified as a Variant of Uncertain Significance.

GeneDx
Classification: Uncertain significance. Last evaluated: 2017-04-19. Review status: criteria provided, single submitter. Criteria: GeneDx Variant Classification (06012015). Collection method: clinical testing. Allele origin: germline. Affected: yes.
Comment: The F162L variant in the NF2 gene has not, to our knowledge, been published in the literature as pathogenic or benign. This variant was not observed in large population cohorts (NHLBI Exome Sequencing Project, The 1000 Genomes Consortium 2015, Lek 2016). Since Phenylalanine and Leucine share similar properties, this is considered a conservative amino acid substitution. This substitution occurs at a position that is conserved across species and is located within the FERM domain (Uniprot). In silico analyses predict that this variant is probably damaging to protein structure and function. Based on currently available evidence,we consider F162L to be a variant of uncertain significance.